The following is an entry in ClinVar:

ClinVar aggregate classification (germline): Uncertain significance (1 of 4 stars; one submission).

Conditions:
Axenfeld-Rieger syndrome type 3 (RIEG3). Also called: AXENFELD-RIEGER ANOMALY WITH CARDIAC DEFECTS AND/OR SENSORINEURAL HEARING LOSS. Identifiers: Orphanet 782, MedGen C2678503, MONDO:0011233, OMIM 602482.

Submission:

Labcorp Genetics (formerly Invitae), Labcorp
Classification: Uncertain significance for Axenfeld-Rieger syndrome type 3. Last evaluated: 2024-01-31. Review status: criteria provided, single submitter. Criteria: Invitae Variant Classification Sherloc (09022015). Collection method: clinical testing. Allele origin: germline.
Comment: This sequence change replaces alanine, which is neutral and non-polar, with proline, which is neutral and non-polar, at codon 486 of the FOXC1 protein (p.Ala486Pro). This variant is not present in population databases (gnomAD no frequency). This variant has not been reported in the literature in individuals affected with FOXC1-related conditions. An algorithm developed to predict the effect of missense changes on protein structure and function (PolyPhen-2) suggests that this variant is likely to be tolerated. In summary, the available evidence is currently insufficient to determine the role of this variant in disease. Therefore, it has been classified as a Variant of Uncertain Significance.

NM_001453.3(FOXC1):c.1456G>C (p.Ala486Pro)

Gene: FOXC1 (forkhead box C1; plus strand). Cytogenetic location: 6p25.3.
Variant type: single nucleotide variant.
Coding change: c.1456G>C on transcript NM_001453.3 (MANE Select); coding-DNA position 1456, G replaced by C.
Protein change: p.Ala486Pro; replaces alanine 486 with proline.
Molecular consequence: missense variant.
Genome position (GRCh38, 1-based): chr6:1,611,901, G>C. VCF-style: chr6-1611901-G-C. GRCh37 (hg19) VCF-style: chr6-1612136-G-C.
Other names: short protein forms A486P.
Identifiers: ClinVar variation 3637862 (VCV003637862.2).